The following is an entry in ClinVar:

ClinVar aggregate classification (germline): Uncertain significance. Review status: criteria provided, multiple submitters, no conflicts (2 of 4 stars). 3 submissions from 3 submitters: Uncertain significance (2). 1 of the submissions does not count toward it. Last evaluated 2025-11-17.

Conditions:
TCF12-related disorder. Also called: TCF12-related condition.

Allele frequency attached by ClinVar (database versions not stated): gnomAD 0.00046 and 0.00043; 1000 Genomes Project 30x 0.00016; 1000 Genomes Project 0.00020; ExAC 0.00030; gnomAD exomes 0.00036 and 0.00041; TOPMed 0.00045; ESP Exome Variant Server 0.00046.
gnomAD v4.1: 662 of 1,614,096 alleles (0.041%); highest among the groups gnomAD compares: Admixed American, 0.087%; no homozygotes.

Submissions (3):

Labcorp Genetics (formerly Invitae), Labcorp
Classification: Uncertain significance. Last evaluated: 2025-11-17. Review status: criteria provided, single submitter. Criteria: Invitae Variant Classification Sherloc (09022015). Collection method: clinical testing. Allele origin: germline.
Comment: This sequence change replaces proline, which is neutral and non-polar, with serine, which is neutral and polar, at codon 152 of the TCF12 protein (p.Pro152Ser). This variant is present in population databases (rs148561378, gnomAD 0.06%), and has an allele count higher than expected for a pathogenic variant. This variant has not been reported in the literature in individuals affected with TCF12-related conditions. ClinVar contains an entry for this variant (Variation ID: 1307371). Invitae Evidence Modeling of protein sequence and biophysical properties (such as structural, functional, and spatial information, amino acid conservation, physicochemical variation, residue mobility, and thermodynamic stability) indicates that this missense variant is not expected to disrupt TCF12 protein function with a negative predictive value of 80%. In summary, the available evidence is currently insufficient to determine the role of this variant in disease. Therefore, it has been classified as a Variant of Uncertain Significance.

GeneDx
Classification: Uncertain significance. Last evaluated: 2019-07-26. Review status: criteria provided, single submitter. Criteria: GeneDx Variant Classification Process June 2021. Collection method: clinical testing. Allele origin: germline. Affected: yes.
Comment: In silico analysis, which includes protein predictors and evolutionary conservation, supports that this variant does not alter protein structure/function; Has not been previously published as pathogenic or benign to our knowledge

PreventionGenetics, part of Exact Sciences
Classification: Uncertain significance for TCF12-related condition. Last evaluated: 2023-11-08. Review status: no assertion criteria provided. Collection method: clinical testing. Allele origin: germline. Not counted in ClinVar's aggregate classification.
Comment: The TCF12 c.454C>T variant is predicted to result in the amino acid substitution p.Pro152Ser. To our knowledge, this variant has not been reported in the literature. This variant is reported in 0.054% of alleles in individuals of Latino descent in gnomAD. Although we suspect that this variant may be benign, at this time, the clinical significance of this variant is uncertain due to the absence of conclusive functional and genetic evidence.

NM_207037.2(TCF12):c.454C>T (p.Pro152Ser)

Gene: TCF12 (transcription factor 12; plus strand). Cytogenetic location: 15q21.3.
Variant type: single nucleotide variant.
Coding change: c.454C>T on transcript NM_207037.2 (MANE Select); coding-DNA position 454, C replaced by T.
Protein change: p.Pro152Ser; replaces proline 152 with serine.
Molecular consequence: missense variant. On other transcripts: 5 prime UTR variant (1).
Genome position (GRCh38, 1-based): chr15:57,192,221, C>T. VCF-style: chr15-57192221-C-T. GRCh37 (hg19) VCF-style: chr15-57484419-C-T.
Other names: c.454C>T, p.Pro152Ser (NM_001322151.2, NM_001322152.2, NM_001322157.3 and 7 more transcripts); c.-204C>T (NM_001322154.2); c.280C>T, p.Pro94Ser (NM_001322156.2, NM_001322158.2); c.490C>T, p.Pro164Ser (NM_001322164.2); short protein forms P152S, P164S, P94S.
Identifiers: ClinVar variation 1307371 (VCV001307371.8), dbSNP rs148561378, ClinGen allele CA7580878.
Genomic context (GRCh38, chr15:57,192,221, plus strand): 5'-AGTCTCCTGAGACAAGATCTGGGGCTTGGGAGCCCAGCACAGCTATCTTCTTCAGGAAAA[C>T]CTGGGACAGCATACTATTCATTCTCTGCTACAAGTTCCAGGAGGAGACCACTCCATGACT-3'
Protein context (NP_996920.1, residues 142-162): SPAQLSSSGK[Pro152Ser]GTAYYSFSAT